The following is an entry in ClinVar:

NM_000512.5(GALNS):c.1046del (p.Ser349fs)

Gene: GALNS (galactosamine (N-acetyl)-6-sulfatase; minus strand). Cytogenetic location: 16q24.3.
Variant type: Deletion.
Coding change: c.1046del on transcript NM_000512.5 (MANE Select); coding-DNA position 1046, one base deleted (G; older notation c.1046delG).
Protein change: p.Ser349fs; shifts the reading frame from serine 349.
Molecular consequence: frameshift variant.
Genome position (GRCh38, 1-based): chr16:88,826,795, C deleted on the plus strand (G on the coding strand, the reverse complement: GALNS is on the minus strand). VCF-style (leftmost placement, unchanged base first): chr16-88826794-GC-G. GRCh37 (hg19) VCF-style: chr16-88893202-GC-G.
Other names: c.491del, p.Ser164fs (NM_001323543.2); c.1064del, p.Ser355fs (NM_001323544.2); short protein forms S164fs, S349fs, S355fs.
Identifiers: ClinVar variation 1048487 (VCV001048487.3), dbSNP rs2142995845, ClinGen allele CA915941067.

ClinVar aggregate classification (germline): Likely pathogenic (1 of 4 stars; one submission).

Conditions:
Mucopolysaccharidosis, MPS-IV-A (MPS4A). Also called: Mucopolysaccharidosis type IV A; Mucopolysaccharidosis Type IVA; Morquio syndrome A, mild; MORQUIO SYNDROME A; MPS IVA; mucopolysaccharidosis type 4A. Identifiers: Orphanet 309297, Orphanet 582, MedGen C0086651, MONDO:0009659, OMIM 253000.

Submission:

Laboratory of Diagnosis and Therapy of Lysosomal Disorders, University of Padova
Classification: Likely pathogenic for Mucopolysaccharidosis, MPS-IV-A. Last evaluated: 2021-02-01. Review status: criteria provided, single submitter. Criteria: ACMG Guidelines, 2015. Collection method: curation. Allele origin: germline. Affected: yes.
Comment: Frameshift variant (PVS1_very strong); absent from gnomAD v2.1.1 (PM2_moderate)

Literature cited by the submitters: PubMed 24120057; PubMed 34387910.